The following is an entry in ClinVar:

NM_007315.4(STAT1):c.1127+10G>A

Gene: STAT1 (signal transducer and activator of transcription 1; minus strand). Cytogenetic location: 2q32.2.
Variant type: single nucleotide variant.
Coding change: c.1127+10G>A on transcript NM_007315.4 (MANE Select); 10 bases into the intron after coding-DNA position 1127, G replaced by A.
Molecular consequence: intron variant.
Genome position (GRCh38, 1-based): chr2:190,987,029, C>T on the plus strand (G>A on the coding strand, the complement: STAT1 is on the minus strand). VCF-style: chr2-190987029-C-T. GRCh37 (hg19) VCF-style: chr2-191851755-C-T.
Other names: c.1037+10G>A (NM_001384890.1); c.1028+10G>A (NM_001384883.1); c.968+10G>A (NM_001384885.1); c.1034+10G>A (NM_001384887.1); c.1067+10G>A (NM_001384880.1); c.1098-82G>A (NM_001384888.1); c.1127+10G>A (NM_001384882.1, NM_001384889.1, NM_001384886.1 and 1 more transcripts); c.1163+10G>A (NM_001384891.1); and 1 more.
Identifiers: ClinVar variation 333280 (VCV000333280.18), dbSNP rs140665796, ClinGen allele CA2030033.

ClinVar aggregate classification (germline): Benign/Likely benign. Review status: criteria provided, multiple submitters, no conflicts (2 of 4 stars). 4 submissions from 4 submitters: Benign (1); Likely benign (2). 1 of the submissions does not count toward it. Last evaluated 2026-01-27.

Conditions:
STAT1-related disorder. Also called: STAT1-related condition.
Immunodeficiency 31B. Also called: STAT1 DEFICIENCY, AUTOSOMAL RECESSIVE; IMMUNODEFICIENCY 31B, MYCOBACTERIAL AND VIRAL INFECTIONS, AUTOSOMAL RECESSIVE. Identifiers: Orphanet 391311, MedGen C3151088, MONDO:0013427, OMIM 613796.
Autoimmune enteropathy and endocrinopathy - susceptibility to chronic infections syndrome. Also called: Immunodeficiency 31C; Immunodeficiency 31C, autosomal dominant. Identifiers: Orphanet 391487, MedGen C3279990, MONDO:0013599, OMIM 614162.
Mendelian susceptibility to mycobacterial diseases due to partial STAT1 deficiency. Also called: IMMUNODEFICIENCY 31A, MYCOBACTERIOSIS, AUTOSOMAL DOMINANT; STAT1 DEFICIENCY, AUTOSOMAL DOMINANT; Immunodeficiency 31a. Identifiers: Orphanet 319595, MedGen C4013950, MONDO:0013956, OMIM 614892.

Allele frequency attached by ClinVar (database versions not stated): gnomAD exomes 0.00009 and 0.00020; ExAC 0.00017; ESP Exome Variant Server 0.00023; gnomAD 0.00027 and 0.00030; TOPMed 0.00038; 1000 Genomes Project 30x 0.00047; 1000 Genomes Project 0.00060.
gnomAD v4.1: 195 of 1,610,896 alleles (0.012%); highest among the groups gnomAD compares: Middle Eastern, 0.087%; no homozygotes.

Submissions (4):

Labcorp Genetics (formerly Invitae), Labcorp
Classification: Likely benign for Mendelian susceptibility to mycobacterial diseases due to partial STAT1 deficiency; Immunodeficiency 31B; Autoimmune enteropathy and endocrinopathy - susceptibility to chronic infections syndrome. Last evaluated: 2026-01-27. Review status: criteria provided, single submitter. Criteria: Invitae Variant Classification Sherloc (09022015). Collection method: clinical testing. Allele origin: germline.

Blueprint Genetics
Classification: Likely benign. Last evaluated: 2022-07-11. Review status: criteria provided, single submitter. Criteria: ACMG Guidelines, 2015. Collection method: clinical testing. Allele origin: germline.

Illumina Laboratory Services, Illumina
Classification: Benign for Mendelian susceptibility to mycobacterial diseases due to partial STAT1 deficiency. Last evaluated: 2018-01-12. Review status: criteria provided, single submitter. Criteria: ICSL Variant Classification Criteria 13 December 2019. Collection method: clinical testing. Allele origin: germline.
Comment: This variant was observed in the ICSL laboratory as part of a predisposition screen in an ostensibly healthy population. It had not been previously curated by ICSL or reported in the Human Gene Mutation Database (HGMD: prior to June 1st, 2018), and was therefore a candidate for classification through an automated scoring system. Utilizing variant allele frequency, disease prevalence and penetrance estimates, and inheritance mode, an automated score was calculated to assess if this variant is too frequent to cause the disease. Based on the score and internal cut-off values, a variant classified as benign is not then subjected to further curation. The score for this variant resulted in a classification of benign for this disease.

PreventionGenetics, part of Exact Sciences
Classification: Likely benign for STAT1-related condition. Last evaluated: 2019-09-17. Review status: no assertion criteria provided. Collection method: clinical testing. Allele origin: germline. Not counted in ClinVar's aggregate classification.
Comment: This variant is classified as likely benign based on ACMG/AMP sequence variant interpretation guidelines (Richards et al. 2015 PMID: 25741868, with internal and published modifications).